The following is an entry in ClinVar:

ClinVar aggregate classification (germline): Pathogenic (1 of 4 stars; one submission).

Submission:

Ambry Genetics
Classification: Pathogenic. Last evaluated: 2022-02-15. Review status: criteria provided, single submitter. Criteria: Ambry Variant Classification Scheme 2023. Collection method: clinical testing. Allele origin: germline.
Comment: The c.4243delT (p.Y1415Tfs*31) alteration, located in exon 23 (coding exon 23) of the KIAA0556 gene, consists of a deletion of one nucleotide at position 4243, causing a translational frameshift with a predicted alternate stop codon after 31 amino acids. This alteration is expected to result in loss of function by premature protein truncation or nonsense-mediated mRNA decay. This variant was not reported in population-based cohorts in the Genome Aggregation Database (gnomAD). Based on the available evidence, this alteration is classified as pathogenic.

NM_015202.5(KATNIP):c.4243del (p.Tyr1415fs)

Gene: KATNIP (katanin interacting protein; plus strand). Cytogenetic location: 16p12.1.
Variant type: Deletion.
Coding change: c.4243del on transcript NM_015202.5 (MANE Select); coding-DNA position 4243, one base deleted (T; older notation c.4243delT).
Protein change: p.Tyr1415fs; shifts the reading frame from tyrosine 1415.
Molecular consequence: frameshift variant.
Genome position (GRCh38, 1-based): chr16:27,773,143, T deleted. VCF-style (leftmost placement, unchanged base first): chr16-27773142-CT-C. GRCh37 (hg19) VCF-style: chr16-27784463-CT-C.
Other names: short protein forms Y1415fs.
Identifiers: ClinVar variation 3112895 (VCV003112895.1), dbSNP rs2543413175, ClinGen allele CA2825002435.